The following is an entry in ClinVar:

ClinVar aggregate classification (germline): Uncertain significance (1 of 4 stars; one submission).

Conditions:
Severe early-onset pulmonary alveolar proteinosis due to MARS deficiency. Also called: PULMONARY ALVEOLAR PROTEINOSIS, REUNION ISLAND; Interstitial lung and liver disease. Identifiers: Orphanet 440427, MedGen C4225400, MONDO:0014206, OMIM 615486.
Charcot-Marie-Tooth disease axonal type 2U. Also called: CHARCOT-MARIE-TOOTH NEUROPATHY, TYPE 2U; CHARCOT-MARIE-TOOTH DISEASE, AXONAL, AUTOSOMAL DOMINANT, TYPE 2U. Identifiers: Orphanet 397735, MedGen C4084821, MONDO:0014566, OMIM 616280.

Submission:

Labcorp Genetics (formerly Invitae), Labcorp
Classification: Uncertain significance for Charcot-Marie-Tooth disease axonal type 2U; Severe early-onset pulmonary alveolar proteinosis due to MARS deficiency. Last evaluated: 2024-02-06. Review status: criteria provided, single submitter. Criteria: Invitae Variant Classification Sherloc (09022015). Collection method: clinical testing. Allele origin: germline.
Comment: This sequence change creates a premature translational stop signal (p.Leu789*) in the MARS gene. It is expected to result in an absent or disrupted protein product. However, the current clinical and genetic evidence is not sufficient to establish whether loss-of-function variants in MARS cause disease. This variant is not present in population databases (gnomAD no frequency). This variant has not been reported in the literature in individuals affected with MARS-related conditions. In summary, the available evidence is currently insufficient to determine the role of this variant in disease. Therefore, it has been classified as a Variant of Uncertain Significance.

NM_004990.4(MARS1):c.2366T>A (p.Leu789Ter)

Gene: MARS1 (methionyl-tRNA synthetase 1; plus strand). Cytogenetic location: 12q13.3.
Variant type: single nucleotide variant.
Coding change: c.2366T>A on transcript NM_004990.4 (MANE Select); coding-DNA position 2366, T replaced by A.
Protein change: p.Leu789Ter; replaces leucine 789 with a stop codon.
Molecular consequence: nonsense.
Genome position (GRCh38, 1-based): chr12:57,515,311, T>A. VCF-style: chr12-57515311-T-A. GRCh37 (hg19) VCF-style: chr12-57909094-T-A.
Other names: short protein forms L789*.
Identifiers: ClinVar variation 3754255 (VCV003754255.2).